The following is an entry in ClinVar:

ClinVar aggregate classification (germline): Uncertain significance. Review status: criteria provided, multiple submitters, no conflicts (2 of 4 stars). 3 submissions from 3 submitters: Uncertain significance (3). Last evaluated 2024-06-07.

Conditions:
Charcot-Marie-Tooth disease axonal type 2O. Also called: CHARCOT-MARIE-TOOTH NEUROPATHY, AXONAL, TYPE 2O; CHARCOT-MARIE-TOOTH DISEASE, AXONAL, AUTOSOMAL DOMINANT, TYPE 2O; Charcot-Marie-Tooth Neuropathy Type 2O; Charcot-Marie-Tooth disease, axonal, type 20. Identifiers: Orphanet 284232, MedGen C3280220, MONDO:0013644, OMIM 614228.

Allele frequency attached by ClinVar (database versions not stated): gnomAD exomes below 0.00001.
gnomAD v4.1: 3 of 1,613,906 alleles (0.00019%); highest among the groups gnomAD compares: South Asian, 0.0011%; no homozygotes.

Submissions (3):

Women's Health and Genetics/Laboratory Corporation of America, LabCorp
Classification: Uncertain significance. Last evaluated: 2024-06-07. Review status: criteria provided, single submitter. Criteria: LabCorp Variant Classification Summary - May 2015. Collection method: clinical testing. Allele origin: germline.
Comment: Variant summary: DYNC1H1 c.2146C>T (p.Arg716Cys) results in a non-conservative amino acid change located in the dynein heavy chain, tail domain (IPR013594) of the encoded protein sequence. Four of five in-silico tools predict a damaging effect of the variant on protein function. The variant was absent in 251450 control chromosomes (gnomAD). The available data on variant occurrences in the general population are insufficient to allow any conclusion about variant significance. To our knowledge, no occurrence of c.2146C>T in individuals affected with DYNC1H1-Related Disorders and no experimental evidence demonstrating its impact on protein function have been reported. ClinVar contains an entry for this variant (Variation ID: 2884821). Based on the evidence outlined above, the variant was classified as uncertain significance.

CeGaT Center for Human Genetics Tuebingen
Classification: Uncertain significance. Last evaluated: 2024-06-01. Review status: criteria provided, single submitter. Criteria: CeGaT Center For Human Genetics Tuebingen Variant Classification Criteria Version 2. Collection method: clinical testing. Allele origin: germline. Affected: yes. Observed: 1 variant allele.
Comment: DYNC1H1: PM2, PP2

Labcorp Genetics (formerly Invitae), Labcorp
Classification: Uncertain significance for Charcot-Marie-Tooth disease axonal type 2O. Last evaluated: 2022-12-08. Review status: criteria provided, single submitter. Criteria: Invitae Variant Classification Sherloc (09022015). Collection method: clinical testing. Allele origin: germline.
Comment: In summary, the available evidence is currently insufficient to determine the role of this variant in disease. Therefore, it has been classified as a Variant of Uncertain Significance. Advanced modeling of protein sequence and biophysical properties (such as structural, functional, and spatial information, amino acid conservation, physicochemical variation, residue mobility, and thermodynamic stability) performed at Invitae indicates that this missense variant is expected to disrupt DYNC1H1 protein function. This variant has not been reported in the literature in individuals affected with DYNC1H1-related conditions. This variant is not present in population databases (gnomAD no frequency). This sequence change replaces arginine, which is basic and polar, with cysteine, which is neutral and slightly polar, at codon 716 of the DYNC1H1 protein (p.Arg716Cys).

NM_001376.5(DYNC1H1):c.2146C>T (p.Arg716Cys)

Gene: DYNC1H1 (dynein cytoplasmic 1 heavy chain 1; plus strand). Cytogenetic location: 14q32.31.
Variant type: single nucleotide variant.
Coding change: c.2146C>T on transcript NM_001376.5 (MANE Select); coding-DNA position 2146, C replaced by T.
Protein change: p.Arg716Cys; replaces arginine 716 with cysteine.
Molecular consequence: missense variant.
Genome position (GRCh38, 1-based): chr14:101,986,371, C>T. VCF-style: chr14-101986371-C-T. GRCh37 (hg19) VCF-style: chr14-102452708-C-T.
Other names: short protein forms R716C.
Identifiers: ClinVar variation 2884821 (VCV002884821.22), dbSNP rs1209629857, ClinGen allele CA391021213.